The following is an entry in ClinVar:

ClinVar aggregate classification (germline): Uncertain significance (1 of 4 stars; one submission).

Conditions:
Adenylosuccinate lyase deficiency (ADSLD). Also called: ADSL DEFICIENCY. Identifiers: Orphanet 46, MedGen C0268126, MONDO:0007068, OMIM 103050.

Submission:

Labcorp Genetics (formerly Invitae), Labcorp
Classification: Uncertain significance for Adenylosuccinate lyase deficiency. Last evaluated: 2022-10-30. Review status: criteria provided, single submitter. Criteria: Invitae Variant Classification Sherloc (09022015). Collection method: clinical testing. Allele origin: germline.
Comment: This variant occurs in a non-coding region of the ADSL gene. It does not change the encoded amino acid sequence of the ADSL protein. This variant is not present in population databases (gnomAD no frequency). This variant has not been reported in the literature in individuals affected with ADSL-related conditions. In summary, the available evidence is currently insufficient to determine the role of this variant in disease. Therefore, it has been classified as a Variant of Uncertain Significance.

NC_000022.11:g.40345895G>A

Gene: ADSL (adenylosuccinate lyase; plus strand). Cytogenetic location: 22q13.1.
Variant type: single nucleotide variant.
Genome position: GRCh38 VCF-style: chr22-40345895-G-A. GRCh37 (hg19) VCF-style: chr22-40741899-G-A.
Identifiers: ClinVar variation 2783682 (VCV002783682.3), dbSNP rs2044118645, ClinGen allele CA2405715539.